The following is an entry in ClinVar:

ClinVar aggregate classification (germline): Uncertain significance (1 of 4 stars; one submission).

Allele frequency attached by ClinVar (database versions not stated): gnomAD exomes below 0.00001; ExAC 0.00001; gnomAD 0.00002 and 0.00003.
gnomAD v4.1: 4 of 1,614,088 alleles (0.00025%); highest among the groups gnomAD compares: African/African-American, 0.0053%; no homozygotes.

Submission:

Labcorp Genetics (formerly Invitae), Labcorp
Classification: Uncertain significance. Last evaluated: 2022-03-10. Review status: criteria provided, single submitter. Criteria: Invitae Variant Classification Sherloc (09022015). Collection method: clinical testing. Allele origin: germline.
Comment: This sequence change replaces methionine, which is neutral and non-polar, with isoleucine, which is neutral and non-polar, at codon 445 of the ACBD5 protein (p.Met445Ile). This variant is present in population databases (rs761888781, gnomAD 0.007%). This variant has not been reported in the literature in individuals affected with ACBD5-related conditions. Algorithms developed to predict the effect of missense changes on protein structure and function output the following: SIFT: "Tolerated"; PolyPhen-2: "Benign"; Align-GVGD: "Class C0". The isoleucine amino acid residue is found in multiple mammalian species, which suggests that this missense change does not adversely affect protein function. In summary, the available evidence is currently insufficient to determine the role of this variant in disease. Therefore, it has been classified as a Variant of Uncertain Significance.

NM_145698.5(ACBD5):c.1335G>C (p.Met445Ile)

Gene: ACBD5 (acyl-CoA binding domain containing 5; minus strand). Cytogenetic location: 10p12.1.
Variant type: single nucleotide variant.
Coding change: c.1335G>C on transcript NM_145698.5 (MANE Select); coding-DNA position 1335, G replaced by C.
Protein change: p.Met445Ile; replaces methionine 445 with isoleucine.
Molecular consequence: missense variant.
Genome position (GRCh38, 1-based): chr10:27,208,315, C>G on the plus strand (G>C on the coding strand, the complement: ACBD5 is on the minus strand). VCF-style: chr10-27208315-C-G. GRCh37 (hg19) VCF-style: chr10-27497244-C-G.
Other names: c.1230G>C, p.Met410Ile (NM_001042473.4, NM_001352577.2, NM_001352578.2 and 1 more transcripts); c.1329G>C, p.Met443Ile (NM_001271512.3); c.1008G>C, p.Met336Ile (NM_001301251.2, NM_001301252.2, NM_001301253.2 and 2 more transcripts); c.804G>C, p.Met268Ile (NM_001301254.2); c.1389G>C, p.Met463Ile (NM_001352568.1); c.1368G>C, p.Met456Ile (NM_001352569.1); c.1335G>C, p.Met445Ile (NM_001352570.1); c.1362G>C, p.Met454Ile (NM_001352571.1); and 10 more; short protein forms M347I, M445I, M454I, M268I, M375I, M421I, M443I, M342I.
Identifiers: ClinVar variation 1379908 (VCV001379908.3), dbSNP rs761888781, ClinGen allele CA5450669.